The following is an entry in ClinVar:

ClinVar aggregate classification (germline): Uncertain significance (1 of 4 stars; one submission).

Conditions:
Glycogen storage disease IXb (GSD9B). Also called: PHOSPHORYLASE KINASE DEFICIENCY OF LIVER AND MUSCLE, AUTOSOMAL RECESSIVE; GLYCOGENOSIS OF LIVER AND MUSCLE, AUTOSOMAL RECESSIVE; GSD IXb. Identifiers: Orphanet 79240, MedGen C0543514, MONDO:0009868, OMIM 261750.

Allele frequency attached by ClinVar (database versions not stated): TOPMed below 0.00001; gnomAD 0.00001; gnomAD exomes 0.00001; ExAC 0.00002; ESP Exome Variant Server 0.00008.

Submission:

Labcorp Genetics (formerly Invitae), Labcorp
Classification: Uncertain significance for Glycogen storage disease IXb. Last evaluated: 2025-10-02. Review status: criteria provided, single submitter. Criteria: Invitae Variant Classification Sherloc (09022015). Collection method: clinical testing. Allele origin: germline.
Comment: This sequence change replaces proline, which is neutral and non-polar, with serine, which is neutral and polar, at codon 216 of the PHKB protein (p.Pro216Ser). This variant is present in population databases (rs371523617, gnomAD 0.002%). This variant has not been reported in the literature in individuals affected with PHKB-related conditions. ClinVar contains an entry for this variant (Variation ID: 2196673). An algorithm developed to predict the effect of missense changes on protein structure and function (PolyPhen-2) suggests that this variant is likely to be tolerated. In summary, the available evidence is currently insufficient to determine the role of this variant in disease. Therefore, it has been classified as a Variant of Uncertain Significance.

NM_000293.3(PHKB):c.646C>T (p.Pro216Ser)

Gene: PHKB (phosphorylase kinase regulatory subunit beta; plus strand). Cytogenetic location: 16q12.1.
Variant type: single nucleotide variant.
Coding change: c.646C>T on transcript NM_000293.3 (MANE Select); coding-DNA position 646, C replaced by T.
Protein change: p.Pro216Ser; replaces proline 216 with serine.
Molecular consequence: missense variant.
Genome position (GRCh38, 1-based): chr16:47,547,484, C>T. VCF-style: chr16-47547484-C-T. GRCh37 (hg19) VCF-style: chr16-47581395-C-T.
Other names: c.625C>T, p.Pro209Ser (NM_001031835.3); c.646C>T, p.Pro216Ser (NM_001363837.1); short protein forms P216S, P209S.
Identifiers: ClinVar variation 2196673 (VCV002196673.2), dbSNP rs371523617, ClinGen allele CA8040560.